The following is an entry in ClinVar:

NM_016277.5(RAB23):c.236A>G (p.Tyr79Cys)

Gene: RAB23 (RAB23, member RAS oncogene family; minus strand). Cytogenetic location: 6p11.2.
Variant type: single nucleotide variant.
Coding change: c.236A>G on transcript NM_016277.5 (MANE Select); coding-DNA position 236, A replaced by G.
Protein change: p.Tyr79Cys; replaces tyrosine 79 with cysteine.
Molecular consequence: missense variant.
Genome position (GRCh38, 1-based): chr6:57,207,633, T>C on the plus strand (A>G on the coding strand, the complement: RAB23 is on the minus strand). VCF-style: chr6-57207633-T-C. GRCh37 (hg19) VCF-style: chr6-57072431-T-C.
Other names: c.236A>G, p.Tyr79Cys (NM_001278666.2, NM_001278667.2, NM_001278668.2 and 1 more transcripts); c.236A>G (NM_183227.1); short protein forms Y79C.
Identifiers: ClinVar variation 3046188 (VCV003046188.3), dbSNP rs934807998, ClinGen allele CA139737831.

ClinVar aggregate classification (germline): Uncertain significance. Review status: criteria provided, single submitter (1 of 4 stars). 2 submissions from 2 submitters: Uncertain significance (1). 1 of the submissions does not count toward it. Last evaluated 2024-12-10.

Conditions:
RAB23-related disorder. Also called: RAB23-related condition.
Inborn genetic diseases. Identifiers: MedGen C0950123, MeSH D030342.

Allele frequency attached by ClinVar (database versions not stated): gnomAD 0.00001; TOPMed 0.00001.

Submissions (2):

Ambry Genetics
Classification: Uncertain significance for Inborn genetic diseases. Last evaluated: 2024-12-10. Review status: criteria provided, single submitter. Criteria: Ambry Variant Classification Scheme 2023. Collection method: clinical testing. Allele origin: germline.

PreventionGenetics, part of Exact Sciences
Classification: Uncertain significance for RAB23-related condition. Last evaluated: 2023-12-14. Review status: no assertion criteria provided. Collection method: clinical testing. Allele origin: germline. Not counted in ClinVar's aggregate classification.
Comment: The RAB23 c.236A>G variant is predicted to result in the amino acid substitution p.Tyr79Cys. To our knowledge, this variant has not been reported in the literature. This variant is reported in 0.00088% of alleles in individuals of European (Non-Finnish) descent in gnomAD. At this time, the clinical significance of this variant is uncertain due to the absence of conclusive functional and genetic evidence.